The following is an entry in ClinVar:

ClinVar aggregate classification (germline): Pathogenic/Likely pathogenic. Review status: criteria provided, multiple submitters, no conflicts (2 of 4 stars). 7 submissions from 7 submitters: Pathogenic (6); Likely pathogenic (1). Last evaluated 2025-11-19.

Conditions:
Abnormality of the nervous system. Also called: Congenital nervous system disorder. Identifiers: MedGen C0497552, MONDO:0002320, HP:0000707.
Hypotonia, infantile, with psychomotor retardation and characteristic facies 3 (IHPRF3). Also called: TBCK-Related Neurodevelopmental Disorder. Identifiers: Orphanet 488632, MedGen C5567480, MONDO:0014823, OMIM 616900.

Allele frequency attached by ClinVar (database versions not stated): TOPMed below 0.00001; ExAC 0.00001; gnomAD 0.00001; gnomAD exomes 0.00001.

Submissions (7):

GeneDx
Classification: Pathogenic. Last evaluated: 2025-11-19. Review status: criteria provided, single submitter. Criteria: GeneDx Variant Classification Process June 2021. Collection method: clinical testing. Allele origin: germline. Affected: yes.
Comment: Nonsense variant predicted to result in protein truncation or nonsense mediated decay in a gene for which loss of function is a known mechanism of disease; This variant is associated with the following publications: (PMID: 36273129, 38374194)

Broad Center for Mendelian Genomics, Broad Institute of MIT and Harvard
Classification: Pathogenic for Hypotonia, infantile, with psychomotor retardation and characteristic facies 3. Last evaluated: 2025-01-15. Review status: criteria provided, single submitter. Criteria: ACMG Guidelines, 2015. Collection method: curation. Allele origin: germline. Inheritance: Autosomal recessive inheritance.
Comment: The p.Arg83Ter variant in TBCK has been reported, in the homozygous state, in one individual with TBCK-related intellectual disability syndrome (PMID: 36273129), and has been identified in 0.002% (2/90986) of South Asian chromosomes by the Genome Aggregation Database (gnomAD; dbSNP ID: rs763057505). Although this variant has been seen in the general population in a heterozygous state, its frequency is low enough to be consistent with a recessive carrier frequency. This variant has also been reported in ClinVar (Variation ID: 1180828) and has been interpreted as pathogenic by GeneDx and Kariminejad - Najmabadi Pathology & Genetics Center. This nonsense variant leads to a premature termination codon at position 83, which is predicted to lead to a truncated or absent protein. Loss of function of the TBCK gene is an established disease mechanism in autosomal recessive TBCK-related intellectual disability syndrome. In summary, this variant meets criteria to be classified as pathogenic for autosomal recessive TBCK-related intellectual disability syndrome. ACMG/AMP Criteria applied: PVS1, PM3_supporting, PM2_supporting (Richards 2015).

3billion
Classification: Pathogenic for Hypotonia, infantile, with psychomotor retardation and characteristic facies 3. Last evaluated: 2024-01-03. Review status: criteria provided, single submitter. Criteria: ACMG Guidelines, 2015. Collection method: clinical testing. Allele origin: germline. Affected: yes.
Comment: The variant is observed at an extremely low frequency in the gnomAD v2.1.1 dataset (total allele frequency: <0.001%). Predicted Consequence/Location: Stop-gained (nonsense): predicted to result in a loss or disruption of normal protein function through nonsense-mediated decay (NMD) or protein truncation. Multiple pathogenic variants are reported downstream of the variant. The variant has been reported at least twice as pathogenic without evidence for the classification (ClinVar ID: VCV001180828 /PMID: 36273129). Therefore, this variant is classified as Pathogenic according to the recommendation of ACMG/AMP guideline.

Labcorp Genetics (formerly Invitae), Labcorp
Classification: Pathogenic. Last evaluated: 2023-08-25. Review status: criteria provided, single submitter. Criteria: Invitae Variant Classification Sherloc (09022015). Collection method: clinical testing. Allele origin: germline.
Comment: For these reasons, this variant has been classified as Pathogenic. ClinVar contains an entry for this variant (Variation ID: 1180828). This variant has not been reported in the literature in individuals affected with TBCK-related conditions. This variant is present in population databases (rs763057505, gnomAD 0.003%). This sequence change creates a premature translational stop signal (p.Arg83*) in the TBCK gene. It is expected to result in an absent or disrupted protein product. Loss-of-function variants in TBCK are known to be pathogenic (PMID: 27040692, 30103036).

Neuberg Centre For Genomic Medicine, NCGM
Classification: Likely pathogenic for Hypotonia, infantile, with psychomotor retardation and characteristic facies 3. Last evaluated: 2023-05-20. Review status: criteria provided, single submitter. Criteria: ACMG Guidelines, 2015. Collection method: clinical testing. Allele origin: germline. Inheritance: Autosomal recessive inheritance. Affected: yes.
Comment: This variant is reported with the allele frequency 0.001% in the gnomAD Exomes. It is submitted to ClinVar as Pathogenic. However study in multiple affected individual is unavailable. Computational evidence (MutationTaster - Disease causing) predicts damaging effect on protein structure and function for this variant. This variant is predicted to cause loss of normal protein function either through protein truncation or nonsense-mediated mRNA decay. Loss of function variants have been previously reported to be disease causing. For these reasons, this variant has been classified as Likely Pathogenic.

Laboratorio de Genetica e Diagnostico Molecular, Hospital Israelita Albert Einstein
Classification: Pathogenic for Hypotonia, infantile, with psychomotor retardation and characteristic facies 3. Last evaluated: 2023-03-03. Review status: criteria provided, single submitter. Criteria: ACMG Guidelines, 2015. Collection method: clinical testing. Allele origin: germline. Affected: yes.
Comment: ACMG classification criteria: PVS1 very strong, PM2 moderate, PM3 supporting

Kariminejad - Najmabadi Pathology & Genetics Center
Classification: Pathogenic for Abnormality of the nervous system. Last evaluated: 2021-07-10. Review status: criteria provided, single submitter. Criteria: ACMG Guidelines, 2015. Collection method: clinical testing. Allele origin: germline. Affected: yes.

Literature cited by the submitters: PubMed 36273129 (cited by 3billion); PubMed 27040692 (cited by Labcorp Genetics (formerly Invitae), Labcorp); PubMed 30103036 (cited by Labcorp Genetics (formerly Invitae), Labcorp).

NM_001163435.3(TBCK):c.247C>T (p.Arg83Ter)

Gene: TBCK (TBC1 domain containing kinase; minus strand). Cytogenetic location: 4q24.
Variant type: single nucleotide variant.
Coding change: c.247C>T on transcript NM_001163435.3 (MANE Select); coding-DNA position 247, C replaced by T.
Protein change: p.Arg83Ter; replaces arginine 83 with a stop codon.
Molecular consequence: nonsense. On other transcripts: 5 prime UTR variant (1).
Genome position (GRCh38, 1-based): chr4:106,295,113, G>A on the plus strand (C>T on the coding strand, the complement: TBCK is on the minus strand). VCF-style: chr4-106295113-G-A. GRCh37 (hg19) VCF-style: chr4-107216270-G-A.
Other names: NM_001163435.3(TBCK):c.247C>T; p.Arg83Ter; c.247C>T (NM_001163435.2); c.247C>T, p.Arg83Ter (NM_001163436.4, NM_001163437.3, NM_033115.5); c.-371C>T (NM_001290768.2); short protein forms R83*.
Identifiers: ClinVar variation 1180828 (VCV001180828.10), dbSNP rs763057505, ClinGen allele CA3035490.